The following is an entry in ClinVar:

ClinVar aggregate classification (germline): Uncertain significance (1 of 4 stars; one submission).

Conditions:
Growth hormone insensitivity with immune dysregulation 1, autosomal recessive. Also called: GROWTH HORMONE INSENSITIVITY DUE TO POSTRECEPTOR DEFECT; LARON SYNDROME DUE TO POSTRECEPTOR DEFECT; Laron syndrome with immunodeficiency; GROWTH HORMONE INSENSITIVITY SYNDROME WITH IMMUNE DYSREGULATION 1, AUTOSOMAL RECESSIVE. Identifiers: Orphanet 220465, MedGen C5435698, MONDO:0100211, OMIM 245590.

Allele frequency attached by ClinVar (database versions not stated): gnomAD exomes below 0.00001 and 0.00001; TOPMed below 0.00001; gnomAD 0.00001.
gnomAD v4.1: 12 of 1,613,794 alleles (0.00074%); highest among the groups gnomAD compares: Middle Eastern, 0.016%; no homozygotes.

Submission:

Labcorp Genetics (formerly Invitae), Labcorp
Classification: Uncertain significance for Growth hormone insensitivity with immune dysregulation 1, autosomal recessive. Last evaluated: 2025-04-07. Review status: criteria provided, single submitter. Criteria: Invitae Variant Classification Sherloc (09022015). Collection method: clinical testing. Allele origin: germline.
Comment: This sequence change replaces aspartic acid, which is acidic and polar, with asparagine, which is neutral and polar, at codon 754 of the STAT5B protein (p.Asp754Asn). This variant is not present in population databases (gnomAD no frequency). This variant has not been reported in the literature in individuals affected with STAT5B-related conditions. ClinVar contains an entry for this variant (Variation ID: 951379). An algorithm developed to predict the effect of missense changes on protein structure and function (PolyPhen-2) suggests that this variant is likely to be tolerated. In summary, the available evidence is currently insufficient to determine the role of this variant in disease. Therefore, it has been classified as a Variant of Uncertain Significance.

NM_012448.4(STAT5B):c.2260G>A (p.Asp754Asn)

Gene: STAT5B (signal transducer and activator of transcription 5B; minus strand). Cytogenetic location: 17q21.2.
Variant type: single nucleotide variant.
Coding change: c.2260G>A on transcript NM_012448.4 (MANE Select); coding-DNA position 2260, G replaced by A.
Protein change: p.Asp754Asn; replaces aspartic acid 754 with asparagine.
Molecular consequence: missense variant.
Genome position (GRCh38, 1-based): chr17:42,201,842, C>T on the plus strand (G>A on the coding strand, the complement: STAT5B is on the minus strand). VCF-style: chr17-42201842-C-T. GRCh37 (hg19) VCF-style: chr17-40353860-C-T.
Other names: short protein forms D754N.
Identifiers: ClinVar variation 951379 (VCV000951379.10), dbSNP rs1238042644, ClinGen allele CA399572795.
Genomic context (GRCh38, chr17:42,201,842, plus strand): 5'-CCAGGAGCTCCTCCACACGCCGCGCTACGTCCATTGTGTCCTCCAGATCGAAGTCCCCAT[C>T]GGTGTCAAGGACTGAGTCAGGGCTTGGGAGGGAAAGAAGAGGGATGAAGGGAAGGGGAAA-3'
Protein context (NP_036580.2, residues 744-764): PQNPDSVLDT[Asp754Asn]GDFDLEDTMD